The following is an entry in ClinVar:

ClinVar aggregate classification (germline): Uncertain significance. Review status: criteria provided, single submitter (1 of 4 stars). 2 submissions from 2 submitters: Uncertain significance (1). 1 of the submissions does not count toward it. Last evaluated 2025-05-15.

Conditions:
CLCN2-related disorder. Also called: CLCN2-related disorders; CLCN2-related condition.
Inborn genetic diseases. Identifiers: MedGen C0950123, MeSH D030342.

Submissions (2):

Ambry Genetics
Classification: Uncertain significance for Inborn genetic diseases. Last evaluated: 2025-05-15. Review status: criteria provided, single submitter. Criteria: Ambry Variant Classification Scheme 2023. Collection method: clinical testing. Allele origin: germline.

PreventionGenetics, part of Exact Sciences
Classification: Uncertain significance for CLCN2-related condition. Last evaluated: 2024-06-26. Review status: no assertion criteria provided. Collection method: clinical testing. Allele origin: germline. Not counted in ClinVar's aggregate classification.
Comment: The CLCN2 c.797C>T variant is predicted to result in the amino acid substitution p.Thr266Ile. To our knowledge, this variant has not been reported in the literature. This variant is reported in 0.013% of alleles in individuals of European (Non-Finnish) descent in gnomAD. At this time, the clinical significance of this variant is uncertain due to the absence of conclusive functional and genetic evidence.

NM_004366.6(CLCN2):c.797C>T (p.Thr266Ile)

Gene: CLCN2 (chloride voltage-gated channel 2; minus strand). Cytogenetic location: 3q27.1.
Variant type: single nucleotide variant.
Coding change: c.797C>T on transcript NM_004366.6 (MANE Select); coding-DNA position 797, C replaced by T.
Protein change: p.Thr266Ile; replaces threonine 266 with isoleucine.
Molecular consequence: missense variant.
Genome position (GRCh38, 1-based): chr3:184,357,463, G>A on the plus strand (C>T on the coding strand, the complement: CLCN2 is on the minus strand). VCF-style: chr3-184357463-G-A. GRCh37 (hg19) VCF-style: chr3-184075251-G-A.
Other names: c.797C>T, p.Thr266Ile (NM_001171087.3, NM_001171089.3); c.665C>T, p.Thr222Ile (NM_001171088.3); c.797C>T (NM_004366.4); short protein forms T222I, T266I.
Identifiers: ClinVar variation 3350788 (VCV003350788.2).